The following is an entry in ClinVar:

NM_001018115.3(FANCD2):c.99_102del (p.Lys33fs)

Genes: FANCD2 (FA complementation group D2; plus strand), LOC107303338 (3p25 FANCD2 Alu-mediated recombination region; plus strand). Cytogenetic location: 3p25.3.
Variant type: Deletion.
Coding change: c.99_102del on transcript NM_001018115.3 (MANE Select); coding-DNA positions 99 to 102, 4 bases deleted (GAAA; older notation c.99_102delGAAA).
Protein change: p.Lys33fs; shifts the reading frame from lysine 33.
Molecular consequence: frameshift variant.
Genome position (GRCh38, 1-based): chr3:10,032,866-10,032,869, GAAA deleted; deleting any 4 consecutive bases within chr3:10,032,863-10,032,869 gives the same sequence; the c. name uses the placement nearest the transcript's 3' end. VCF-style (leftmost placement, unchanged base first): chr3-10032862-CAAAG-C. GRCh37 (hg19) VCF-style: chr3-10074546-CAAAG-C.
Other names: c.99_102del, p.Lys33fs (NM_001319984.2, NM_001374253.1, NM_001374254.1 and 2 more transcripts); short protein forms K33fs.
Identifiers: ClinVar variation 1322879 (VCV001322879.9), dbSNP rs1283566463, ClinGen allele CA540890831.

ClinVar aggregate classification (germline): Pathogenic/Likely pathogenic. Review status: criteria provided, multiple submitters, no conflicts (2 of 4 stars). 3 submissions from 3 submitters: Pathogenic (2); Likely pathogenic (1). Last evaluated 2024-11-23.

Conditions:
Fanconi anemia complementation group D2. Also called: FANCD2-Related Fanconi Anemia; FANCONI PANCYTOPENIA, TYPE 4; FANCONI ANEMIA, COMPLEMENTATION GROUP D. Identifiers: Orphanet 84, MedGen C3160738, MONDO:0009214, OMIM 227646.
Fanconi anemia (FA). Also called: Fanconi's anemia. Identifiers: Orphanet 84, MedGen C0015625, MeSH D005199, MONDO:0019391.

Submissions (3):

Labcorp Genetics (formerly Invitae), Labcorp
Classification: Pathogenic for Fanconi anemia. Last evaluated: 2024-11-23. Review status: criteria provided, single submitter. Criteria: Invitae Variant Classification Sherloc (09022015). Collection method: clinical testing. Allele origin: germline.
Comment: This sequence change creates a premature translational stop signal (p.Lys33Asnfs*16) in the FANCD2 gene. It is expected to result in an absent or disrupted protein product. Loss-of-function variants in FANCD2 are known to be pathogenic (PMID: 17436244). This variant is present in population databases (no rsID available, gnomAD 0.02%). This variant has not been reported in the literature in individuals affected with FANCD2-related conditions. ClinVar contains an entry for this variant (Variation ID: 1322879). For these reasons, this variant has been classified as Pathogenic.

Fulgent Genetics
Classification: Likely pathogenic for Fanconi anemia complementation group D2. Last evaluated: 2024-04-19. Review status: criteria provided, single submitter. Criteria: ACMG Guidelines, 2015. Collection method: clinical testing. Allele origin: germline.

Revvity Omics, Revvity
Classification: Pathogenic for Fanconi anemia complementation group D2. Last evaluated: 2019-05-20. Review status: criteria provided, single submitter. Criteria: ACMG Guidelines, 2015. Collection method: clinical testing. Allele origin: germline.

Literature cited by the submitters: PubMed 17436244 (cited by Labcorp Genetics (formerly Invitae), Labcorp).